The following is an entry in ClinVar:

ClinVar aggregate classification (germline): Uncertain significance (1 of 4 stars; one submission).

Submission:

GeneDx
Classification: Uncertain significance. Last evaluated: 2025-07-08. Review status: criteria provided, single submitter. Criteria: GeneDx Variant Classification Process June 2021. Collection method: clinical testing. Allele origin: germline.
Comment: Not observed at significant frequency in large population cohorts (gnomAD); In silico analysis suggests that this missense variant does not alter protein structure/function; Has not been previously published as pathogenic or benign to our knowledge

NM_005618.4(DLL1):c.1618G>A (p.Gly540Ser)

Gene: DLL1 (delta like canonical Notch ligand 1; minus strand). Cytogenetic location: 6q27.
Variant type: single nucleotide variant.
Coding change: c.1618G>A on transcript NM_005618.4 (MANE Select); coding-DNA position 1618, G replaced by A.
Protein change: p.Gly540Ser; replaces glycine 540 with serine.
Molecular consequence: missense variant.
Genome position (GRCh38, 1-based): chr6:170,283,661, C>T on the plus strand (G>A on the coding strand, the complement: DLL1 is on the minus strand). VCF-style: chr6-170283661-C-T. GRCh37 (hg19) VCF-style: chr6-170592749-C-T.
Other names: short protein forms G540S.
Identifiers: ClinVar variation 3907784 (VCV003907784.2).